The following is an entry in ClinVar:

NM_006129.5(BMP1):c.962-18C>G

Gene: BMP1 (bone morphogenetic protein 1; plus strand). Cytogenetic location: 8p21.3.
Variant type: single nucleotide variant.
Coding change: c.962-18C>G on transcript NM_006129.5 (MANE Select); 18 bases into the intron before coding-DNA position 962, C replaced by G.
Molecular consequence: intron variant.
Genome position (GRCh38, 1-based): chr8:22,180,350, C>G. VCF-style: chr8-22180350-C-G. GRCh37 (hg19) VCF-style: chr8-22037863-C-G.
Other names: c.962-18C>G (NM_001199.4).
Identifiers: ClinVar variation 1033073 (VCV001033073.8), dbSNP rs200412717, ClinGen allele CA4664495.

ClinVar aggregate classification (germline): Conflicting classifications of pathogenicity. Review status: criteria provided, conflicting classifications (1 of 4 stars). 2 submissions from 2 submitters: Uncertain significance (1); Likely benign (1). Last evaluated 2026-01-29.

Conditions:
Osteogenesis imperfecta type 13. Also called: OI, TYPE XIII; Osteogenesis imperfecta, type xiii. Identifiers: Orphanet 666, MedGen C3553887, MONDO:0013924, OMIM 614856.

Allele frequency attached by ClinVar (database versions not stated): ExAC 0.00001; gnomAD 0.00001; gnomAD exomes 0.00002.
gnomAD v4.1: 5 of 1,600,022 alleles (0.00031%); highest among the groups gnomAD compares: Admixed American, 0.0067%; no homozygotes.

Submissions (2):

Labcorp Genetics (formerly Invitae), Labcorp
Classification: Likely benign. Last evaluated: 2026-01-29. Review status: criteria provided, single submitter. Criteria: Invitae Variant Classification Sherloc (09022015). Collection method: clinical testing. Allele origin: germline.

Baylor Genetics
Classification: Uncertain significance for Osteogenesis imperfecta type 13. Last evaluated: 2018-02-14. Review status: criteria provided, single submitter. Criteria: ACMG Guidelines, 2015. Collection method: clinical testing. Allele origin: unknown. Affected: yes.
Comment: This variant was determined to be of uncertain significance according to ACMG Guidelines, 2015 [PMID:25741868].